The following is an entry in ClinVar:

ClinVar aggregate classification (germline): Pathogenic. Review status: criteria provided, multiple submitters, no conflicts (2 of 4 stars). 3 submissions from 3 submitters: Pathogenic (3). Last evaluated 2025-01-10.

Conditions:
Hereditary cancer-predisposing syndrome. Also called: Neoplastic Syndromes, Hereditary; Hereditary neoplastic syndrome; Tumor predisposition; Hereditary Cancer Syndrome. Identifiers: Orphanet 140162, MedGen C0027672, MeSH D009386, MONDO:0015356.
Cardiovascular phenotype. Identifiers: MedGen CN230736.
Neurofibromatosis, type 1 (NF1). Also called: VON RECKLINGHAUSEN DISEASE; NEUROFIBROMATOSIS, TYPE I, SOMATIC; Peripheral type neurofibromatosis; Neurofibromatosis, type I. Identifiers: Orphanet 636, MedGen C0027831, MONDO:0018975, OMIM 162200. Disease mechanism: loss of function.

Submissions (3):

GeneDx
Classification: Pathogenic. Last evaluated: 2025-01-10. Review status: criteria provided, single submitter. Criteria: GeneDx Variant Classification Process June 2021. Collection method: clinical testing. Allele origin: germline. Affected: yes.
Comment: Nonsense variant predicted to result in protein truncation [or nonsense mediated decay] in a gene for which loss of function is a known mechanism of disease; Not observed at significant frequency in large population cohorts (gnomAD); This variant is associated with the following publications: (PMID: 35053433, 36625546, 30530636)

Labcorp Genetics (formerly Invitae), Labcorp
Classification: Pathogenic for Neurofibromatosis, type 1. Last evaluated: 2024-04-22. Review status: criteria provided, single submitter. Criteria: Invitae Variant Classification Sherloc (09022015). Collection method: clinical testing. Allele origin: germline.
Comment: This sequence change creates a premature translational stop signal (p.Ser1053*) in the NF1 gene. It is expected to result in an absent or disrupted protein product. Loss-of-function variants in NF1 are known to be pathogenic (PMID: 10712197, 23913538). This variant is not present in population databases (gnomAD no frequency). This premature translational stop signal has been observed in individual(s) with neurofibromatosis type 1 and/or neurofibromatosis-Noonan syndrome (NFNS) (PMID: 30530636; Invitae). ClinVar contains an entry for this variant (Variation ID: 665851). For these reasons, this variant has been classified as Pathogenic.

Ambry Genetics
Classification: Pathogenic for Cardiovascular phenotype; Hereditary cancer-predisposing syndrome. Last evaluated: 2020-08-12. Review status: criteria provided, single submitter. Criteria: Ambry Variant Classification Scheme 2023. Collection method: clinical testing. Allele origin: germline.
Comment: The p.S1053* pathogenic mutation (also known as c.3158C>G), located in coding exon 24 of the NF1 gene, results from a C to G substitution at nucleotide position 3158. This changes the amino acid from a serine to a stop codon within coding exon 24. In addition to the clinical data presented in the literature, this alteration is expected to result in loss of function by premature protein truncation or nonsense-mediated mRNA decay. As such, this alteration is interpreted as a disease-causing mutation.

Literature cited by the submitters: PubMed 10712197 (cited by Labcorp Genetics (formerly Invitae), Labcorp); PubMed 23913538 (cited by Labcorp Genetics (formerly Invitae), Labcorp); PubMed 30530636 (cited by Labcorp Genetics (formerly Invitae), Labcorp).

NM_001042492.3(NF1):c.3158C>G (p.Ser1053Ter)

Gene: NF1 (neurofibromin 1; plus strand). Cytogenetic location: 17q11.2.
Variant type: single nucleotide variant.
Coding change: c.3158C>G on transcript NM_001042492.3 (MANE Select); coding-DNA position 3158, C replaced by G.
Protein change: p.Ser1053Ter; replaces serine 1053 with a stop codon.
Molecular consequence: nonsense.
Genome position (GRCh38, 1-based): chr17:31,230,886, C>G. VCF-style: chr17-31230886-C-G. GRCh37 (hg19) VCF-style: chr17-29557904-C-G.
Other names: c.3158C>G, p.Ser1053Ter (NM_000267.4); short protein forms S1053*.
Identifiers: ClinVar variation 665851 (VCV000665851.9), dbSNP rs1597717610, ClinGen allele CA398988066.